The following is an entry in ClinVar:

ClinVar aggregate classification (germline): Conflicting classifications of pathogenicity. Review status: criteria provided, conflicting classifications (1 of 4 stars). 4 submissions from 4 submitters: Pathogenic (1); Likely pathogenic (2); Uncertain significance (1). Last evaluated 2025-07-30.

Conditions:
TUBA1A-related disorder. Also called: TUBA1A-related condition.
Lissencephaly due to TUBA1A mutation (CDCBM16). Also called: CORTICAL DYSPLASIA, COMPLEX, WITH OTHER BRAIN MALFORMATIONS 16; Lissencephaly 3. Identifiers: Orphanet 171680, MedGen C4305153, MONDO:0012703, OMIM 611603.

Submissions (4):

Labcorp Genetics (formerly Invitae), Labcorp
Classification: Uncertain significance. Last evaluated: 2025-07-30. Review status: criteria provided, single submitter. Criteria: Invitae Variant Classification Sherloc (09022015). Collection method: clinical testing. Allele origin: germline.
Comment: This sequence change replaces arginine, which is basic and polar, with cysteine, which is neutral and slightly polar, at codon 308 of the TUBA1A protein (p.Arg308Cys). This variant is not present in population databases (gnomAD no frequency). This variant has not been reported in the literature in individuals affected with TUBA1A-related conditions. ClinVar contains an entry for this variant (Variation ID: 2507148). Invitae Evidence Modeling of protein sequence and biophysical properties (such as structural, functional, and spatial information, amino acid conservation, physicochemical variation, residue mobility, and thermodynamic stability) indicates that this missense variant is not expected to disrupt TUBA1A protein function with a negative predictive value of 80%. In summary, the available evidence is currently insufficient to determine the role of this variant in disease. Therefore, it has been classified as a Variant of Uncertain Significance.

Greenwood Genetic Center Diagnostic Laboratories, Greenwood Genetic Center
Classification: Likely pathogenic for Lissencephaly due to TUBA1A mutation. Last evaluated: 2024-08-08. Review status: criteria provided, single submitter. Criteria: ACMG Guidelines, 2015. Collection method: clinical testing. Allele origin: germline. Affected: yes.
Comment: PS2, PS4_Supporting, PM2, PP2, PP3

PreventionGenetics, part of Exact Sciences
Classification: Likely pathogenic for TUBA1A-related condition. Last evaluated: 2023-05-16. Review status: criteria provided, single submitter. Criteria: ACMG Guidelines, 2015. Collection method: clinical testing. Allele origin: germline.
Comment: The TUBA1A c.922C>T variant is predicted to result in the amino acid substitution p.Arg308Cys. This variant was reported to have occurred de novo in a study of individuals with autism spectrum disorder (Neale et al. 2012. PubMed ID: 22495311). This variant has not been reported in a large population database, indicating this variant is rare. At this time, the clinical significance of this variant is uncertain due to the absence of conclusive functional and genetic evidence.

GeneDx
Classification: Pathogenic. Last evaluated: 2022-12-27. Review status: criteria provided, single submitter. Criteria: GeneDx Variant Classification Process June 2021. Collection method: clinical testing. Allele origin: germline. Affected: yes.
Comment: Reported as a de novo variant in a cohort of individuals with autism spectrum disorders who underwent exome sequencing (Neale et al., 2012); In silico analysis supports that this missense variant has a deleterious effect on protein structure/function; Missense variants in this gene are often considered pathogenic (HGMD); Not observed at significant frequency in large population cohorts (gnomAD); This variant is associated with the following publications: (PMID: 22495311)

NM_006009.4(TUBA1A):c.922C>T (p.Arg308Cys)

Gene: TUBA1A (tubulin alpha 1a; minus strand). Cytogenetic location: 12q13.12.
Variant type: single nucleotide variant.
Coding change: c.922C>T on transcript NM_006009.4 (MANE Select); coding-DNA position 922, C replaced by T.
Protein change: p.Arg308Cys; replaces arginine 308 with cysteine.
Molecular consequence: missense variant.
Genome position (GRCh38, 1-based): chr12:49,185,444, G>A on the plus strand (C>T on the coding strand, the complement: TUBA1A is on the minus strand). VCF-style: chr12-49185444-G-A. GRCh37 (hg19) VCF-style: chr12-49579227-G-A.
Other names: c.922C>T (NM_006009.3); c.817C>T, p.Arg273Cys (NM_001270400.2); c.922C>T, p.Arg308Cys (NM_001270399.2); short protein forms R273C, R308C.
Identifiers: ClinVar variation 2507148 (VCV002507148.4), dbSNP rs1565627084, ClinGen allele CA384638364.
Genomic context (GRCh38, chr12:49,185,444, plus strand): 5'-CATCTTTGGGAACCACGTCACCACGGTACAACAGGCAGCAAGCCATGTATTTACCATGGC[G>A]AGGGTCACATTTCACCATCTGGTTGGCTGGCTCAAAGCAAGCATTGGTGATCTCTGCTAC-3'
Protein context (NP_006000.2, residues 298-318): PANQMVKCDP[Arg308Cys]HGKYMACCLL